The following is an entry in ClinVar:

NM_198129.4(LAMA3):c.4260G>C (p.Gly1420=)

Gene: LAMA3 (laminin subunit alpha 3; plus strand). Cytogenetic location: 18q11.2.
Variant type: single nucleotide variant.
Coding change: c.4260G>C on transcript NM_198129.4 (MANE Select); coding-DNA position 4260, G replaced by C.
Protein change: p.Gly1420=; no amino-acid change (glycine 1420 retained).
Molecular consequence: synonymous variant.
Genome position (GRCh38, 1-based): chr18:23,857,967, G>C. VCF-style: chr18-23857967-G-C. GRCh37 (hg19) VCF-style: chr18-21437931-G-C.
Other names: c.4260G>C, p.Gly1420= (NM_001127717.4).
Identifiers: ClinVar variation 403026 (VCV000403026.18), dbSNP rs867449, ClinGen allele CA8915547.

ClinVar aggregate classification (germline): Benign. Review status: criteria provided, multiple submitters, no conflicts (2 of 4 stars). 8 submissions from 6 submitters: Benign (8). Last evaluated 2024-11-28.

Conditions:
Junctional epidermolysis bullosa, non-Herlitz type. Also called: EPIDERMOLYSIS BULLOSA, JUNCTIONAL 1A, INTERMEDIATE; EPIDERMOLYSIS BULLOSA JUNCTIONALIS, DISENTIS TYPE; EPIDERMOLYSIS BULLOSA JUNCTIONALIS, NON-HERLITZ TYPE; EPIDERMOLYSIS BULLOSA JUNCTIONALIS, PROGRESSIVE; EPIDERMOLYSIS BULLOSA JUNCTIONALIS, SEVERE NONLETHAL; COL17A1-Related Junctional Epidermolysis Bullosa. Identifiers: Orphanet 251393, Orphanet 79402, Orphanet 79405, Orphanet 89840, MedGen C0268374, MONDO:0009180, OMIM 226650.
Laryngo-onycho-cutaneous syndrome (JEB2C). Also called: LOGIC SYNDROME; EPIDERMOLYSIS BULLOSA, JUNCTIONAL 2C, LARYNGOONYCHOCUTANEOUS; SHABBIR SYNDROME. Identifiers: Orphanet 2407, MedGen C1328355, MONDO:0009513, OMIM 245660.
Junctional epidermolysis bullosa gravis of Herlitz. Also called: JEB-HERLITZ TYPE; EPIDERMOLYSIS BULLOSA, JUNCTIONAL 1B, SEVERE; EPIDERMOLYSIS BULLOSA JUNCTIONALIS, HERLITZ TYPE; EPIDERMOLYSIS BULLOSA, JUNCTIONAL, HERLITZ-PEARSON TYPE; Epidermolysis Bullosa Letalis; Herlitz-type junctional epidermolysis bullosa. Identifiers: Orphanet 79404, MedGen C0079683, MONDO:0009182, OMIM 226700.

Allele frequency attached by ClinVar (database versions not stated): 1000 Genomes Project 0.34365; 1000 Genomes Project 30x 0.34494; TOPMed 0.45892; gnomAD 0.48275; gnomAD exomes 0.49420; ExAC 0.49624; ESP Exome Variant Server 0.51728.
gnomAD v4.1: 908,819 of 1,613,780 alleles (56%); highest among the groups gnomAD compares: Non-Finnish European, 62%; 268,765 homozygotes.

Submissions (8):

Blueprint Genetics
Classification: Benign. Last evaluated: 2024-11-28. Review status: criteria provided, single submitter. Criteria: ACMG Guidelines, 2015. Collection method: clinical testing. Allele origin: germline.

Labcorp Genetics (formerly Invitae), Labcorp
Classification: Benign. Last evaluated: 2023-12-13. Review status: criteria provided, single submitter. Criteria: Invitae Variant Classification Sherloc (09022015). Collection method: clinical testing. Allele origin: germline.

Genome-Nilou Lab
Classification: Benign for Junctional epidermolysis bullosa, non-Herlitz type. Last evaluated: 2021-07-10. Review status: criteria provided, single submitter. Criteria: ACMG Guidelines, 2015. Collection method: clinical testing. Allele origin: germline. Affected: no.

Genome-Nilou Lab
Classification: Benign for Junctional epidermolysis bullosa gravis of Herlitz. Last evaluated: 2021-07-10. Review status: criteria provided, single submitter. Criteria: ACMG Guidelines, 2015. Collection method: clinical testing. Allele origin: germline. Affected: no.

Genome-Nilou Lab
Classification: Benign for Laryngo-onycho-cutaneous syndrome. Last evaluated: 2021-07-10. Review status: criteria provided, single submitter. Criteria: ACMG Guidelines, 2015. Collection method: clinical testing. Allele origin: germline. Affected: no.

GeneDx
Classification: Benign. Last evaluated: 2021-05-04. Review status: criteria provided, single submitter. Criteria: GeneDx Variant Classification Process June 2021. Collection method: clinical testing. Allele origin: germline. Affected: yes.

Laboratory for Molecular Medicine, Mass General Brigham Personalized Medicine
Classification: Benign. Last evaluated: 2016-03-29. Review status: criteria provided, single submitter. Criteria: LMM Criteria. Collection method: clinical testing. Allele origin: germline.
Comment: Variant identified in a genome or exome case(s) and assessed due to predicted null impact of the variant or pathogenic assertions in the literature or databases. Disclaimer: This variant has not undergone full assessment. The following are preliminary notes: Frequency

Breakthrough Genomics
Classification: Benign. Review status: criteria provided, single submitter. Criteria: ACMG Guidelines, 2015. Collection method: not provided. Allele origin: germline. Inheritance: Autosomal recessive inheritance. Affected: yes.